The following is an entry in ClinVar:

ClinVar aggregate classification (germline): Pathogenic. Review status: reviewed by expert panel (3 of 4 stars). 4 submissions from 4 submitters: Pathogenic (1). 3 of the submissions do not count toward it. Last evaluated 2022-03-08.

Conditions:
Very long chain acyl-CoA dehydrogenase deficiency (ACADVLD). Also called: VLCAD Deficiency; Very Long-Chain Acyl-Coenzyme A Dehydrogenase Deficiency. Identifiers: Orphanet 26793, MedGen C3887523, MONDO:0008723, OMIM 201475.

Submissions (4):

ClinGen ACADVL Variant Curation Expert Panel, ClinGen
Classification: Pathogenic for Very long chain acyl-CoA dehydrogenase deficiency. Last evaluated: 2022-03-08. Review status: reviewed by expert panel. Criteria: clingen acadvl acmg specifications v1. Collection method: curation. Allele origin: germline. Inheritance: Autosomal recessive inheritance.
Comment: The c.277+2T>G variant in ACADVL occurs within the canonical splice donor (+2) of intron 4. It is predicted to cause skipping of biologically-relevant-exon 4/20, resulting in a frameshift leading to nonsense mediated decay in a gene in which loss-of-function is an established disease mechanism (PVS1; PMIDs: 9973285, 11590124). To our knowledge, functional assays have not been reported for this variant. PM2_Supporting is met. This variant is absent from gnomAD v2.1.1 (PM2_Supporting). In summary, this variant meets the criteria to be classified as PATHOGENIC for autosomal recessive very long chain acyl-CoA dehydrogenase (VLCAD) deficiency based on the ACMG/AMP criteria applied, as specified by the ClinGen ACADVL Variant Curation Expert Panel: PVS1, PM3, PM2_Supporting; VCEP specifications v2.0; approved 12-09-21.

Myriad Genetics, Inc.
Classification: Pathogenic for Very long chain acyl-CoA dehydrogenase deficiency. Last evaluated: 2026-02-10. Review status: criteria provided, single submitter. Criteria: Myriad Autosomal Dominant, Autosomal Recessive and X-Linked Classification Criteria (2023). Collection method: clinical testing. Allele origin: unknown. Not counted in ClinVar's aggregate classification.
Comment: NM_000018.3(ACADVL):c.277+2T>G is a variant in a canonical splice site classified as pathogenic in the context of very-long-chain acyl-CoA dehydrogenase deficiency. c.277+2T>G has been observed in a case with relevant disease (PMID: 22847164). Relevant functional assessments of this variant are not available in the literature. c.277+2T>G has not been observed in referenced population frequency databases. In summary, NM_000018.3(ACADVL):c.277+2T>G is a variant in a canonical splice site in a gene where loss of function is a known mechanism of disease, is predicted to disrupt protein function, and has been observed more frequently in cases with the relevant disease than in healthy populations. Please note: this variant was assessed in the context of healthy population screening.

Labcorp Genetics (formerly Invitae), Labcorp
Classification: Pathogenic for Very long chain acyl-CoA dehydrogenase deficiency. Last evaluated: 2024-08-12. Review status: criteria provided, single submitter. Criteria: Invitae Variant Classification Sherloc (09022015). Collection method: clinical testing. Allele origin: germline. Not counted in ClinVar's aggregate classification.
Comment: This sequence change affects a donor splice site in intron 4 of the ACADVL gene. It is expected to disrupt RNA splicing. Variants that disrupt the donor or acceptor splice site typically lead to a loss of protein function (PMID: 16199547), and loss-of-function variants in ACADVL are known to be pathogenic (PMID: 9973285, 11590124). This variant is not present in population databases (gnomAD no frequency). Disruption of this splice site has been observed in individual(s) with very long-chain acyl-CoA dehydrogenase deficiency (PMID: 22847164). In at least one individual the data is consistent with being in trans (on the opposite chromosome) from a pathogenic variant. ClinVar contains an entry for this variant (Variation ID: 556238). Algorithms developed to predict the effect of sequence changes on RNA splicing suggest that this variant may disrupt the consensus splice site. For these reasons, this variant has been classified as Pathogenic.

Counsyl
Classification: Likely pathogenic for Very long chain acyl-CoA dehydrogenase deficiency. Last evaluated: 2018-01-23. Review status: no assertion criteria provided. Collection method: clinical testing. Allele origin: unknown. Not counted in ClinVar's aggregate classification.

Literature cited by the submitters: PubMed 22847164 (cited by 3 submitters); PubMed 16199547 (cited by Labcorp Genetics (formerly Invitae), Labcorp); PubMed 9973285 (cited by Labcorp Genetics (formerly Invitae), Labcorp); PubMed 11590124 (cited by Labcorp Genetics (formerly Invitae), Labcorp).

NM_000018.4(ACADVL):c.277+2T>G

Gene: ACADVL (acyl-CoA dehydrogenase very long chain; plus strand). Cytogenetic location: 17p13.1.
Variant type: single nucleotide variant.
Coding change: c.277+2T>G on transcript NM_000018.4 (MANE Select); the canonical splice donor site of the intron after coding-DNA position 277, T replaced by G.
Molecular consequence: splice donor variant.
Genome position (GRCh38, 1-based): chr17:7,220,678, T>G. VCF-style: chr17-7220678-T-G. GRCh37 (hg19) VCF-style: chr17-7123997-T-G.
Other names: c.346+2T>G (NM_001270447.2); c.49+2T>G (NM_001270448.2); c.211+2T>G (NM_001033859.3).
Identifiers: ClinVar variation 556238 (VCV000556238.13), dbSNP rs1555527745, ClinGen allele CA397722484.